The following is an entry in ClinVar:

NM_000038.6(APC):c.2687C>T (p.Ala896Val)

Gene: APC (APC regulator of Wnt signaling pathway; plus strand). Cytogenetic location: 5q22.2.
Variant type: single nucleotide variant.
Coding change: c.2687C>T on transcript NM_000038.6 (MANE Select); coding-DNA position 2687, C replaced by T.
Protein change: p.Ala896Val; replaces alanine 896 with valine.
Molecular consequence: missense variant.
Genome position (GRCh38, 1-based): chr5:112,838,281, C>T. VCF-style: chr5-112838281-C-T. GRCh37 (hg19) VCF-style: chr5-112173978-C-T.
Other names: c.2687C>T, p.Ala896Val (NM_001127510.3, NM_001354895.2); c.2633C>T, p.Ala878Val (NM_001127511.3); c.2741C>T, p.Ala914Val (NM_001354896.2); c.2717C>T, p.Ala906Val (NM_001354897.2); c.2612C>T, p.Ala871Val (NM_001354898.2); c.2603C>T, p.Ala868Val (NM_001354899.2); c.2564C>T, p.Ala855Val (NM_001354900.2); c.2510C>T, p.Ala837Val (NM_001354901.2); and 5 more; short protein forms A878V, A896V, A770V, A795V, A855V, A868V, A906V, A613V.
Identifiers: ClinVar variation 219792 (VCV000219792.18), dbSNP rs864622255, ClinGen allele CA350836.

ClinVar aggregate classification (germline): Uncertain significance. Review status: criteria provided, multiple submitters, no conflicts (2 of 4 stars). 3 submissions from 3 submitters: Uncertain significance (3). Last evaluated 2025-08-08.

Conditions:
Hereditary cancer-predisposing syndrome. Also called: Hereditary neoplastic syndrome; Tumor predisposition; Hereditary Cancer Syndrome; Neoplastic Syndromes, Hereditary. Identifiers: Orphanet 140162, MedGen C0027672, MeSH D009386, MONDO:0015356.
Familial adenomatous polyposis 1 (FAP1). Also called: FAMILIAL ADENOMATOUS POLYPOSIS 1, ATTENUATED; POLYPOSIS, ADENOMATOUS INTESTINAL. Identifiers: MedGen C2713442, MONDO:0021056, OMIM 175100. Disease mechanism: loss of function.

Allele frequency attached by ClinVar (database versions not stated): gnomAD exomes below 0.00001.
gnomAD v4.1: 6 of 1,614,198 alleles (0.00037%); highest among the groups gnomAD compares: Non-Finnish European, 0.00051%; no homozygotes.

Submissions (3):

Ambry Genetics
Classification: Uncertain significance for Hereditary cancer-predisposing syndrome. Last evaluated: 2025-08-08. Review status: criteria provided, single submitter. Criteria: Ambry Variant Classification Scheme 2023. Collection method: clinical testing. Allele origin: germline.
Comment: The p.A896V variant (also known as c.2687C>T), located in coding exon 15 of the APC gene, results from a C to T substitution at nucleotide position 2687. The alanine at codon 896 is replaced by valine, an amino acid with similar properties. This amino acid position is not well conserved in available vertebrate species. In addition, in silico predictors for this gene do not accurately predict pathogenicity. Since supporting evidence is limited at this time, the clinical significance of this alteration remains unclear.

Labcorp Genetics (formerly Invitae), Labcorp
Classification: Uncertain significance for Familial adenomatous polyposis 1. Last evaluated: 2024-08-14. Review status: criteria provided, single submitter. Criteria: Invitae Variant Classification Sherloc (09022015). Collection method: clinical testing. Allele origin: germline.
Comment: This sequence change replaces alanine, which is neutral and non-polar, with valine, which is neutral and non-polar, at codon 896 of the APC protein (p.Ala896Val). This variant is present in population databases (no rsID available, gnomAD 0.0009%). This variant has not been reported in the literature in individuals affected with APC-related conditions. ClinVar contains an entry for this variant (Variation ID: 219792). Invitae Evidence Modeling of protein sequence and biophysical properties (such as structural, functional, and spatial information, amino acid conservation, physicochemical variation, residue mobility, and thermodynamic stability) indicates that this missense variant is not expected to disrupt APC protein function with a negative predictive value of 95%. In summary, the available evidence is currently insufficient to determine the role of this variant in disease. Therefore, it has been classified as a Variant of Uncertain Significance.

Baylor Genetics
Classification: Uncertain significance for Familial adenomatous polyposis 1. Last evaluated: 2024-03-21. Review status: criteria provided, single submitter. Criteria: ACMG Guidelines, 2015. Collection method: clinical testing. Allele origin: unknown.